The following is an entry in ClinVar:

NM_000052.7(ATP7A):c.380_381del (p.Val127fs)

Gene: ATP7A (ATPase copper transporting alpha; plus strand). Cytogenetic location: Xq21.1.
Variant type: Deletion.
Coding change: c.380_381del on transcript NM_000052.7 (MANE Select); coding-DNA positions 380 to 381, 2 bases deleted (TG; older notation c.380_381delTG).
Protein change: p.Val127fs; shifts the reading frame from valine 127.
Molecular consequence: frameshift variant.
Genome position (GRCh38, 1-based): chrX:77,988,501-77,988,502, TG deleted; deleting any 2 consecutive bases within chrX:77,988,500-77,988,502 gives the same sequence; the c. name uses the placement nearest the transcript's 3' end. VCF-style (leftmost placement, unchanged base first): chrX-77988499-AGT-A. GRCh37 (hg19) VCF-style: chrX-77243995-AGT-A.
Other names: c.380_381del, p.Val127fs (NM_001282224.2); short protein forms V127fs.
Identifiers: ClinVar variation 1725670 (VCV001725670.3), dbSNP rs2522289846, ClinGen allele CA2580101440.

ClinVar aggregate classification (germline): Likely pathogenic (1 of 4 stars; one submission).

Conditions:
Menkes kinky-hair syndrome (MNK). Also called: Copper transport disease; Classic Menkes Disease; Menkes Disease. Identifiers: Orphanet 565, MedGen C0022716, MONDO:0010651, OMIM 309400.

Submission:

Myriad Genetics, Inc.
Classification: Likely pathogenic for Menkes kinky-hair syndrome. Last evaluated: 2022-03-30. Review status: criteria provided, single submitter. Criteria: Myriad Autosomal Dominant, Autosomal Recessive and X-Linked Classification Criteria (2023). Collection method: clinical testing. Allele origin: unknown.
Comment: NM_000052.5(ATP7A):c.380_381delTG(V127Dfs*34) is expected to be pathogenic in the context of ATP7A-related disorders. This variant is predicted to lead to an abnormal or absent protein product due to the creation of a premature termination codon in ATP7A, a gene where loss-of-function variants are known to be pathogenic. Please note: this variant was assessed in the context of healthy population screening.